The following is an entry in ClinVar:

NM_018699.4(PRDM5):c.94G>T (p.Gly32Cys)

Gene: PRDM5 (PR/SET domain 5; minus strand). Cytogenetic location: 4q27.
Variant type: single nucleotide variant.
Coding change: c.94G>T on transcript NM_018699.4 (MANE Select); coding-DNA position 94, G replaced by T.
Protein change: p.Gly32Cys; replaces glycine 32 with cysteine.
Molecular consequence: missense variant.
Genome position (GRCh38, 1-based): chr4:120,907,557, C>A on the plus strand (G>T on the coding strand, the complement: PRDM5 is on the minus strand). VCF-style: chr4-120907557-C-A. GRCh37 (hg19) VCF-style: chr4-121828712-C-A.
Other names: c.94G>T, p.Gly32Cys (NM_001300823.2, NM_001300824.2, NM_001379104.1 and 1 more transcripts); short protein forms G32C.
Identifiers: ClinVar variation 3227147 (VCV003227147.1), dbSNP rs2479625061, ClinGen allele CA358209713.

ClinVar aggregate classification (germline): Uncertain significance (1 of 4 stars; one submission).

Conditions:
Cardiovascular phenotype. Identifiers: MedGen CN230736.

Submission:

Ambry Genetics
Classification: Uncertain significance for Cardiovascular phenotype. Last evaluated: 2024-03-06. Review status: criteria provided, single submitter. Criteria: Ambry Variant Classification Scheme 2023. Collection method: clinical testing. Allele origin: germline.
Comment: The p.G32C variant (also known as c.94G>T) is located in coding exon 2 of the PRDM5 gene. The glycine at codon 32 is replaced by cysteine, an amino acid with highly dissimilar properties. This change occurs in the first base pair of coding exon 2. This amino acid position is conserved. In addition, this alteration is predicted to be deleterious by in silico analysis. Based on the available evidence, the clinical significance of this alteration remains unclear.